The following is an entry in ClinVar:

NM_198576.4(AGRN):c.2601G>A (p.Ser867=)

Gene: AGRN (agrin; plus strand). Cytogenetic location: 1p36.33.
Variant type: single nucleotide variant.
Coding change: c.2601G>A on transcript NM_198576.4 (MANE Select); coding-DNA position 2601, G replaced by A.
Protein change: p.Ser867=; no amino-acid change (serine 867 retained).
Molecular consequence: synonymous variant.
Genome position (GRCh38, 1-based): chr1:1,045,797, G>A. VCF-style: chr1-1045797-G-A. GRCh37 (hg19) VCF-style: chr1-981177-G-A.
Other names: c.2601G>A, p.Ser867= (NM_001305275.2); c.2286G>A, p.Ser762= (NM_001364727.2).
Identifiers: ClinVar variation 770836 (VCV000770836.15), dbSNP rs144794590, ClinGen allele CA508713.

ClinVar aggregate classification (germline): Likely benign. Review status: criteria provided, multiple submitters, no conflicts (2 of 4 stars). 3 submissions from 3 submitters: Likely benign (2). 1 of the submissions does not count toward it. Last evaluated 2025-10-21.

Conditions:
AGRN-related disorder. Also called: AGRN-related condition.
Congenital myasthenic syndrome 8. Also called: MYASTHENIC SYNDROME, CONGENITAL, DUE TO AGRIN DEFICIENCY; Myasthenic syndrome, congenital, 8, with pre- and postsynaptic defects. Identifiers: Orphanet 590, MedGen C3808739, MONDO:0014052, OMIM 615120.

Allele frequency attached by ClinVar (database versions not stated): gnomAD 0.00025; 1000 Genomes Project 30x 0.00031; ESP Exome Variant Server 0.00015; TOPMed 0.00029; 1000 Genomes Project 0.00040.
gnomAD v4.1: 308 of 1,613,204 alleles (0.019%); highest among the groups gnomAD compares: African/African-American, 0.053%; no homozygotes.

Submissions (3):

Labcorp Genetics (formerly Invitae), Labcorp
Classification: Likely benign for Congenital myasthenic syndrome 8. Last evaluated: 2025-10-21. Review status: criteria provided, single submitter. Criteria: Invitae Variant Classification Sherloc (09022015). Collection method: clinical testing. Allele origin: germline.

GeneDx
Classification: Likely benign. Last evaluated: 2021-04-24. Review status: criteria provided, single submitter. Criteria: GeneDx Variant Classification Process June 2021. Collection method: clinical testing. Allele origin: germline. Affected: yes.

PreventionGenetics, part of Exact Sciences
Classification: Likely benign for AGRN-related condition. Last evaluated: 2022-07-28. Review status: no assertion criteria provided. Collection method: clinical testing. Allele origin: germline. Not counted in ClinVar's aggregate classification.
Comment: This variant is classified as likely benign based on ACMG/AMP sequence variant interpretation guidelines (Richards et al. 2015 PMID: 25741868, with internal and published modifications).